The following is an entry in ClinVar:

ClinVar aggregate classification (germline): Conflicting classifications of pathogenicity. Review status: criteria provided, conflicting classifications (1 of 4 stars). 14 submissions from 14 submitters: Uncertain significance (9); Benign (1); Likely benign (3). 1 of the submissions does not count toward it. Last evaluated 2025-10-01.

Conditions:
Lynch syndrome. Identifiers: Orphanet 144, MedGen C4552100, MONDO:0005835. Disease mechanism: loss of function.
Mismatch repair cancer syndrome 4. Identifiers: MedGen C5436817, MONDO:0030843, OMIM 619101.
PMS2-related disorder. Also called: PMS2-related condition.
Lynch syndrome 4 (LYNCH4). Also called: Hereditary non-polyposis colorectal cancer, type 4; Colorectal cancer, hereditary nonpolyposis, type 4. Identifiers: Orphanet 144, MedGen C1838333, MONDO:0013699, OMIM 614337. Disease mechanism: loss of function.
Hereditary cancer-predisposing syndrome. Also called: Tumor predisposition; Neoplastic Syndromes, Hereditary; Hereditary Cancer Syndrome; Hereditary neoplastic syndrome. Identifiers: Orphanet 140162, MedGen C0027672, MeSH D009386, MONDO:0015356.
Breast and/or ovarian cancer. Identifiers: MedGen CN221562.

Allele frequency attached by ClinVar (database versions not stated): gnomAD exomes 0.00006 and 0.00008; TOPMed 0.00006; ExAC 0.00007; ESP Exome Variant Server 0.00008; gnomAD 0.00009 and 0.00011; 1000 Genomes Project 0.00020; 1000 Genomes Project 30x 0.00047.
gnomAD v4.1: 108 of 1,614,098 alleles (0.0067%); highest among the groups gnomAD compares: Admixed American, 0.03%; no homozygotes.

Submissions (14):

CeGaT Center for Human Genetics Tuebingen
Classification: Uncertain significance. Last evaluated: 2025-10-01. Review status: criteria provided, single submitter. Criteria: CeGaT Center For Human Genetics Tuebingen Variant Classification Criteria Version 2. Collection method: clinical testing. Allele origin: germline. Affected: yes. Observed: 3 variant alleles.

Quest Diagnostics Nichols Institute San Juan Capistrano
Classification: Uncertain significance. Last evaluated: 2025-09-25. Review status: criteria provided, single submitter. Criteria: Quest Diagnostics criteria. Collection method: clinical testing. Allele origin: unknown.
Comment: The PMS2 c.1714G>A (p.Ala572Thr) variant has been reported in the published literature in individuals with Lynch syndrome-associated cancer and/or polyps (PMIDs: 31391288 (2020), 25980754 (2015)), breast cancer (PMIDs: 35449176 (2022), 33471991 (2021), see also LOVD), at high risk of hereditary breast and ovarian cancer (PMID: 38874686 (2024)) and unspecified cancer (PMID: 35089076 (2022)). The frequency of this variant in the general population (Genome Aggregation Database) is uninformative in the assessment of its pathogenicity. Analysis of this variant using bioinformatics tools for the prediction of the effect of amino acid changes on protein structure and function yielded predictions that this variant is benign. Based on the available information, we are unable to determine the clinical significance of this variant.

PreventionGenetics, part of Exact Sciences
Classification: Uncertain significance for PMS2-related condition. Last evaluated: 2025-05-19. Review status: criteria provided, single submitter. Criteria: ACMG Guidelines, 2015. Collection method: clinical testing. Allele origin: germline.
Comment: The PMS2 c.1714G>A variant is predicted to result in the amino acid substitution p.Ala572Thr. This variant has been reported in a breast cancer tumor sample, although it was not clear if it was a germline or somatic variant (Balogh et al. 2006. PubMed ID: 17016615). This variant has also been reported as a germline variant of uncertain significance in a patient undergoing testing for Lynch syndrome (Table S2, Yurgelun et al. 2015. PubMed ID: 25980754). This variant is reported in 0.031% of alleles in individuals of Latino descent in gnomAD and has conflicting interpretations regarding its pathogenicity in ClinVar, ranging from likely benign to uncertain. At this time, the clinical significance of this variant is uncertain due to the absence of conclusive functional and genetic evidence.

GeneDx
Classification: Uncertain significance. Last evaluated: 2025-04-03. Review status: criteria provided, single submitter. Criteria: GeneDx Variant Classification Process June 2021. Collection method: clinical testing. Allele origin: germline. Affected: yes.
Comment: In silico analysis indicates that this missense variant does not alter protein structure/function; Identified in individuals with breast cancer, Lynch syndrome-related cancers and/or polyps, or other cancers (PMID: 31391288, 35089076, 25980754, 35449176); This variant is associated with the following publications: (PMID: 17016615, 22290698, 24362816, 35089076, 31391288, 25980754, 35449176)

Dasa
Classification: Uncertain significance. Last evaluated: 2024-12-18. Review status: criteria provided, single submitter. Criteria: DASA Assertion Criteria. Collection method: clinical testing. Allele origin: germline.
Comment: NM_000535.7(PMS2):c.1714G>A (p.Ala572Thr) is a missense variant that results in the substitution of alanine with threonine. This variant is rare in population databases. Computational prediction algorithms are consistent with a benign effect. The currently available literature and clinical evidence are not sufficient to establish a definitive association between this variant and the reported condition. Therefore, this variant is classified as a variant of uncertain significance.

Department of Pathology and Laboratory Medicine, Sinai Health System
Classification: Uncertain significance for Lynch syndrome 4; Mismatch repair cancer syndrome 4. Last evaluated: 2024-12-11. Review status: criteria provided, single submitter. Criteria: ACMG Guidelines, 2015. Collection method: clinical testing. Allele origin: germline. Affected: yes.

Color Diagnostics, LLC DBA Color Health
Classification: Benign for Hereditary cancer-predisposing syndrome. Last evaluated: 2024-10-16. Review status: criteria provided, single submitter. Criteria: ACMG Guidelines, 2015. Collection method: clinical testing. Allele origin: germline.

Fulgent Genetics
Classification: Uncertain significance for Lynch syndrome 4; Mismatch repair cancer syndrome 4. Last evaluated: 2024-06-17. Review status: criteria provided, single submitter. Criteria: ACMG Guidelines, 2015. Collection method: clinical testing. Allele origin: germline.

Myriad Genetics, Inc.
Classification: Likely benign for Lynch syndrome 4. Last evaluated: 2024-03-29. Review status: criteria provided, single submitter. Criteria: Myriad Autosomal Dominant, Autosomal Recessive and X-Linked Classification Criteria (2023). Collection method: clinical testing. Allele origin: unknown.
Comment: This variant is considered likely benign. This variant has been observed in trans with a known pathogenic variant in one or more individuals lacking clinical features consistent with gene-specific recessive disease.

All of Us Research Program, National Institutes of Health
Classification: Likely benign for Lynch syndrome. Last evaluated: 2023-12-13. Review status: criteria provided, single submitter. Criteria: ACMG Guidelines, 2015. Collection method: clinical testing. Allele origin: germline. Inheritance: Autosomal dominant inheritance. Observed: 17 variant alleles, 17 heterozygotes.
Comment: This study involves interpretation of variants in research participants for the purpose of population health screening. Participant phenotype was not available at the time of variant classification. Additional details can be found in publication PMID: 35346344, PMCID: PMC8962531

Women's Health and Genetics/Laboratory Corporation of America, LabCorp
Classification: Uncertain significance. Last evaluated: 2023-01-09. Review status: criteria provided, single submitter. Criteria: LabCorp Variant Classification Summary - May 2015. Collection method: clinical testing. Allele origin: germline.
Comment: Variant summary: PMS2 c.1714G>A (p.Ala572Thr) results in a non-conservative amino acid change in the encoded protein sequence. Four of five in-silico tools predict a benign effect of the variant on protein function. The variant allele was found at a frequency of 8e-05 in 251334 control chromosomes. This frequency is not significantly higher than estimated for a pathogenic variant in PMS2 causing Lynch Syndrome (8e-05 vs 0.00011), allowing no conclusion about variant significance. c.1714G>A has been reported in the literature in individuals affected with Lynch Syndrome-associated cancers and/or polyps (e.g. Yurgelun_2015, Li_2020, Sahin_2022). However, these reports do not provide unequivocal conclusions about association of the variant with Lynch Syndrome. To our knowledge, no experimental evidence demonstrating an impact on protein function has been reported. Five clinical diagnostic laboratories have submitted clinical-significance assessments for this variant to ClinVar after 2014 with conflicting assessments, classifiying the variant as either VUS (n=3) or likely benign (n=2). Based on the evidence outlined above, the variant was classified as uncertain significance.

CHEO Genetics Diagnostic Laboratory, Children's Hospital of Eastern Ontario
Classification: Uncertain significance for Breast and/or ovarian cancer. Last evaluated: 2021-11-08. Review status: criteria provided, single submitter. Criteria: ACMG Guidelines, 2015. Collection method: clinical testing. Allele origin: germline.

Ambry Genetics
Classification: Likely benign for Hereditary cancer-predisposing syndrome. Last evaluated: 2020-04-28. Review status: criteria provided, single submitter. Criteria: Ambry Variant Classification Scheme 2023. Collection method: clinical testing. Allele origin: germline.

Counsyl
Classification: Uncertain significance for Lynch syndrome 4. Last evaluated: 2017-07-06. Review status: no assertion criteria provided. Collection method: clinical testing. Allele origin: unknown. Not counted in ClinVar's aggregate classification.

Literature cited by the submitters: PubMed 25980754 (cited by 4 submitters); PubMed 22290698 (cited by Quest Diagnostics Nichols Institute San Juan Capistrano and Women's Health and Genetics/Laboratory Corporation of America, LabCorp); PubMed 17016615 (cited by Quest Diagnostics Nichols Institute San Juan Capistrano and Counsyl); PubMed 33471991 (cited by Quest Diagnostics Nichols Institute San Juan Capistrano); PubMed 35449176 (cited by Quest Diagnostics Nichols Institute San Juan Capistrano); PubMed 35089076 (cited by Quest Diagnostics Nichols Institute San Juan Capistrano and Women's Health and Genetics/Laboratory Corporation of America, LabCorp); PubMed 31391288 (cited by 4 submitters); PubMed 38874686 (cited by Quest Diagnostics Nichols Institute San Juan Capistrano); PubMed 38851388 (cited by Quest Diagnostics Nichols Institute San Juan Capistrano); PubMed 24362816 (cited by Women's Health and Genetics/Laboratory Corporation of America, LabCorp).

NM_000535.7(PMS2):c.1714G>A (p.Ala572Thr)

Gene: PMS2 (PMS1 homolog 2, mismatch repair system component; minus strand). Cytogenetic location: 7p22.1.
Variant type: single nucleotide variant.
Coding change: c.1714G>A on transcript NM_000535.7 (MANE Select); coding-DNA position 1714, G replaced by A.
Protein change: p.Ala572Thr; replaces alanine 572 with threonine.
Molecular consequence: missense variant. On other transcripts: non-coding transcript variant (1).
Genome position (GRCh38, 1-based): chr7:5,987,051, C>T on the plus strand (G>A on the coding strand, the complement: PMS2 is on the minus strand). VCF-style: chr7-5987051-C-T. GRCh37 (hg19) VCF-style: chr7-6026682-C-T.
Other names: c.1309G>A, p.Ala437Thr (NM_001322003.2, NM_001322004.2, NM_001322005.2 and 1 more transcripts); c.1558G>A, p.Ala520Thr (NM_001322006.2); c.1396G>A, p.Ala466Thr (NM_001322007.2, NM_001322008.2); c.1153G>A, p.Ala385Thr (NM_001322010.2); c.781G>A, p.Ala261Thr (NM_001322011.2, NM_001322012.2); c.1141G>A, p.Ala381Thr (NM_001322013.2); c.1714G>A, p.Ala572Thr (NM_001322014.2); c.1405G>A, p.Ala469Thr (NM_001322015.2); short protein forms A572T, A261T, A437T, A520T, A381T, A385T, A466T, A469T.
Identifiers: ClinVar variation 186044 (VCV000186044.73), dbSNP rs63751023, ClinGen allele CA010143.